The following is an entry in ClinVar:

ClinVar aggregate classification (germline): Pathogenic (1 of 4 stars; one submission).

Conditions:
Maple syrup urine disease (MSUD). Identifiers: Orphanet 511, MedGen C0024776, MeSH D008375, MONDO:0009563. Disease mechanism: loss of function.

Submission:

Institute of Medical Genetics and Genomics, Sir Ganga Ram Hospital
Classification: Pathogenic for Maple syrup urine disease type 1A. Last evaluated: 2014-01-01. Review status: criteria provided, single submitter. Criteria: Submitter's publication. Collection method: research. Allele origin: germline. Affected: yes. Observed: 1 variant allele.
Comment: Deletion of entire exon 1

NM_001318975.1(BCKDHB):c.-70_-15+207del

Gene: BCKDHB (branched chain keto acid dehydrogenase E1 subunit beta; plus strand). Cytogenetic location: 6q14.1.
Variant type: Deletion.
Coding change: c.-70_-15+207del on transcript NM_001318975.1; 70 bases upstream of the start codon through 207 bases into the intron after 15 bases upstream of the start codon, 263 bases deleted.
Molecular consequence: splice donor variant.
Genome position (GRCh38, 1-based): chr6:80,106,628-80,106,890, 263 bases deleted. GRCh37 (hg19): chr6:80,816,345-80,816,607.
Identifiers: ClinVar variation 224058 (VCV000224058.4), dbSNP rs1554180622, ClinGen allele CA354909.